The following is an entry in ClinVar:

ClinVar aggregate classification (germline): Uncertain significance (1 of 4 stars; one submission).

Allele frequency attached by ClinVar (database versions not stated): gnomAD 0.00001; TOPMed 0.00002.

Submission:

Labcorp Genetics (formerly Invitae), Labcorp
Classification: Uncertain significance. Last evaluated: 2022-04-18. Review status: criteria provided, single submitter. Criteria: Invitae Variant Classification Sherloc (09022015). Collection method: clinical testing. Allele origin: germline.
Comment: In summary, the available evidence is currently insufficient to determine the role of this variant in disease. Therefore, it has been classified as a Variant of Uncertain Significance. Algorithms developed to predict the effect of missense changes on protein structure and function are either unavailable or do not agree on the potential impact of this missense change (SIFT: "Tolerated"; PolyPhen-2: "Probably Damaging"; Align-GVGD: "Class C0"). This variant has not been reported in the literature in individuals affected with DMXL2-related conditions. This variant is not present in population databases (gnomAD no frequency). This sequence change replaces methionine, which is neutral and non-polar, with isoleucine, which is neutral and non-polar, at codon 1745 of the DMXL2 protein (p.Met1745Ile).

NM_001378457.1(DMXL2):c.5235G>A (p.Met1745Ile)

Gene: DMXL2 (Dmx like 2; minus strand). Cytogenetic location: 15q21.2.
Variant type: single nucleotide variant.
Coding change: c.5235G>A on transcript NM_001378457.1 (MANE Select); coding-DNA position 5235, G replaced by A.
Protein change: p.Met1745Ile; replaces methionine 1745 with isoleucine.
Molecular consequence: missense variant. On other transcripts: non-coding transcript variant (2).
Genome position (GRCh38, 1-based): chr15:51,486,320, C>T on the plus strand (G>A on the coding strand, the complement: DMXL2 is on the minus strand). VCF-style: chr15-51486320-C-T. GRCh37 (hg19) VCF-style: chr15-51778517-C-T.
Other names: c.5235G>A, p.Met1745Ile (NM_001174116.3, NM_001378458.1, NM_001378459.1 and 4 more transcripts); c.3327G>A, p.Met1109Ile (NM_001174117.3); c.3216G>A, p.Met1072Ile (NM_001378460.1); c.4995G>A, p.Met1665Ile (NM_001378464.1); short protein forms M1109I, M1745I, M1072I, M1665I.
Identifiers: ClinVar variation 2025608 (VCV002025608.4), dbSNP rs2042390911, ClinGen allele CA392427250.